The following is an entry in ClinVar:

ClinVar aggregate classification (germline): Likely benign (0 of 4 stars; one submission).

Conditions:
DNAJB4-related disorder. Also called: DNAJB4-related condition.

Allele frequency attached by ClinVar (database versions not stated): gnomAD 0.01027; 1000 Genomes Project 30x 0.01296; 1000 Genomes Project 0.01058; TOPMed 0.01124.

Submission:

PreventionGenetics, part of Exact Sciences
Classification: Likely benign for DNAJB4-related condition. Last evaluated: 2024-02-27. Review status: no assertion criteria provided. Collection method: clinical testing. Allele origin: germline.
Comment: This variant is classified as likely benign based on ACMG/AMP sequence variant interpretation guidelines (Richards et al. 2015 PMID: 25741868, with internal and published modifications).

NM_001317100.2(DNAJB4):c.73C>T (p.Arg25Ter)

Gene: DNAJB4 (DnaJ heat shock protein family (Hsp40) member B4; plus strand). Cytogenetic location: 1p31.1.
Variant type: single nucleotide variant.
Coding change: c.73C>T on transcript NM_001317100.2; coding-DNA position 73, C replaced by T.
Protein change: p.Arg25Ter; replaces arginine 25 with a stop codon.
Molecular consequence: nonsense. On other transcripts: intron variant (3).
Genome position (GRCh38, 1-based): chr1:77,992,848, C>T. VCF-style: chr1-77992848-C-T. GRCh37 (hg19) VCF-style: chr1-78458532-C-T.
Other names: c.-135+13229C>T (NM_001317101.2); c.-135+13555C>T (NM_001317102.2); c.-31-12232C>T (NM_001317099.2); short protein forms R25*.
Identifiers: ClinVar variation 3039041 (VCV003039041.2), dbSNP rs149535846, ClinGen allele CA25386678.